The following is an entry in ClinVar:

ClinVar aggregate classification (germline): Pathogenic (1 of 4 stars; one submission).

Conditions:
Early-infantile DEE. Also called: Early infantile epileptic encephalopathy with suppression bursts; Early infantile epileptic encephalopathy; Ohtahara syndrome. Identifiers: Orphanet 1934, MedGen C0393706, MONDO:0800491.

Allele frequency attached by ClinVar (database versions not stated): gnomAD exomes 0.00001; TOPMed 0.00001; ESP Exome Variant Server 0.00008; ExAC 0.00001.
gnomAD v4.1: 9 of 1,599,912 alleles (0.00056%); highest among the groups gnomAD compares: African/African-American, 0.0013%; no homozygotes.

Submission:

Labcorp Genetics (formerly Invitae), Labcorp
Classification: Pathogenic for Early-infantile DEE. Last evaluated: 2022-08-22. Review status: criteria provided, single submitter. Criteria: Invitae Variant Classification Sherloc (09022015). Collection method: clinical testing. Allele origin: germline.
Comment: This sequence change falls in intron 5 of the KCNQ2 gene. It does not directly change the encoded amino acid sequence of the KCNQ2 protein. Algorithms developed to predict the effect of sequence changes on RNA splicing suggest that this variant may create or strengthen a splice site. ClinVar contains an entry for this variant (Variation ID: 579506). This variant has been observed in individual(s) with clinical features of KCNQ2-related conditions (Invitae). In at least one individual the variant was observed to be de novo. This variant is not present in population databases (gnomAD no frequency). For these reasons, this variant has been classified as Pathogenic.

NM_172107.4(KCNQ2):c.817-10G>A

Gene: KCNQ2 (potassium voltage-gated channel subfamily Q member 2; minus strand). Cytogenetic location: 20q13.33.
Variant type: single nucleotide variant.
Coding change: c.817-10G>A on transcript NM_172107.4 (MANE Select); 10 bases into the intron before coding-DNA position 817, G replaced by A.
Molecular consequence: intron variant.
Genome position (GRCh38, 1-based): chr20:63,439,718, C>T on the plus strand (G>A on the coding strand, the complement: KCNQ2 is on the minus strand). VCF-style: chr20-63439718-C-T. GRCh37 (hg19) VCF-style: chr20-62071071-C-T.
Other names: c.817-10G>A (NM_004518.6, NM_172108.5, NM_172106.3 and 1 more transcripts).
Identifiers: ClinVar variation 579506 (VCV000579506.7), dbSNP rs375363057, ClinGen allele CA9958718.